The following is an entry in ClinVar:

NM_000135.4(FANCA):c.1822A>T (p.Lys608Ter)

Gene: FANCA (FA complementation group A; minus strand). Cytogenetic location: 16q24.3.
Variant type: single nucleotide variant.
Coding change: c.1822A>T on transcript NM_000135.4 (MANE Select); coding-DNA position 1822, A replaced by T.
Protein change: p.Lys608Ter; replaces lysine 608 with a stop codon.
Molecular consequence: nonsense.
Genome position (GRCh38, 1-based): chr16:89,778,805, T>A on the plus strand (A>T on the coding strand, the complement: FANCA is on the minus strand). VCF-style: chr16-89778805-T-A. GRCh37 (hg19) VCF-style: chr16-89845213-T-A.
Other names: c.1822A>T, p.Lys608Ter (NM_001286167.3); short protein forms K608*.
Identifiers: ClinVar variation 983793 (VCV000983793.3), dbSNP rs938278864, ClinGen allele CA397454317.

ClinVar aggregate classification (germline): Likely pathogenic (1 of 4 stars; one submission).

Conditions:
Fanconi anemia complementation group A (FANCA). Also called: Fanconi anemia, group A; FANCA-Related Fanconi Anemia. Identifiers: Orphanet 84, MedGen C3469521, MONDO:0009215, OMIM 227650.

Submission:

Myriad Genetics, Inc.
Classification: Likely pathogenic for Fanconi anemia complementation group A. Last evaluated: 2019-12-01. Review status: criteria provided, single submitter. Criteria: Myriad Women's Health Autosomal Recessive and X-Linked Classification Criteria (2019). Collection method: clinical testing. Allele origin: unknown.
Comment: NM_000135.2(FANCA):c.1822A>T(K608*) is expected to be pathogenic in the context of Fanconi anemia complementation group A. This variant is predicted to lead to an abnormal or absent protein product due to the creation of a premature termination codon in FANCA, a gene where loss-of-function variants are known to be pathogenic. Please note: this variant was assessed in the context of healthy population screening.